The following is an entry in ClinVar:

NM_006947.4(SRP72):c.1091T>C (p.Phe364Ser)

Gene: SRP72 (signal recognition particle 72; plus strand). Cytogenetic location: 4q12.
Variant type: single nucleotide variant.
Coding change: c.1091T>C on transcript NM_006947.4 (MANE Select); coding-DNA position 1091, T replaced by C.
Protein change: p.Phe364Ser; replaces phenylalanine 364 with serine.
Molecular consequence: missense variant. On other transcripts: non-coding transcript variant (1).
Genome position (GRCh38, 1-based): chr4:56,486,329, T>C. VCF-style: chr4-56486329-T-C. GRCh37 (hg19) VCF-style: chr4-57352495-T-C.
Other names: c.908T>C, p.Phe303Ser (NM_001267722.2); short protein forms F303S, F364S.
Identifiers: ClinVar variation 2622434 (VCV002622434.3), dbSNP rs2545763203, ClinGen allele CA357000179.

ClinVar aggregate classification (germline): Uncertain significance (1 of 4 stars; one submission).

Submission:

Ambry Genetics
Classification: Uncertain significance. Last evaluated: 2025-06-16. Review status: criteria provided, single submitter. Criteria: Ambry Variant Classification Scheme 2023. Collection method: clinical testing. Allele origin: germline.
Comment: The p.F364S variant (also known as c.1091T>C), located in coding exon 11 of the SRP72 gene, results from a T to C substitution at nucleotide position 1091. The phenylalanine at codon 364 is replaced by serine, an amino acid with highly dissimilar properties. This amino acid position is conserved. In addition, the in silico prediction for this alteration is inconclusive. Based on the available evidence, the clinical significance of this variant remains unclear.